The following is an entry in ClinVar:

NM_033026.6(PCLO):c.2552_2559del (p.Lys851fs)

Gene: PCLO (piccolo presynaptic cytomatrix protein; minus strand). Cytogenetic location: 7q21.11.
Variant type: Deletion.
Coding change: c.2552_2559del on transcript NM_033026.6 (MANE Select); coding-DNA positions 2552 to 2559, 8 bases deleted (AGAAGGAA; older notation c.2552_2559delAGAAGGAA).
Protein change: p.Lys851fs; shifts the reading frame from lysine 851.
Molecular consequence: frameshift variant.
Genome position (GRCh38, 1-based): chr7:83,134,991-83,134,998, TTCCTTCT deleted on the plus strand (AGAAGGAA on the coding strand, the reverse complement: PCLO is on the minus strand); deleting any 8 consecutive bases within chr7:83,134,991-83,135,000 gives the same sequence; the c. name uses the placement nearest the transcript's 3' end. VCF-style (leftmost placement, unchanged base first): chr7-83134990-CTTCCTTCT-C. GRCh37 (hg19) VCF-style: chr7-82764306-CTTCCTTCT-C.
Other names: c.2552_2559del, p.Lys851fs (NM_014510.3); short protein forms K851fs.
Identifiers: ClinVar variation 3642366 (VCV003642366.2).

ClinVar aggregate classification (germline): Pathogenic (1 of 4 stars; one submission).

Submission:

Labcorp Genetics (formerly Invitae), Labcorp
Classification: Pathogenic. Last evaluated: 2024-02-21. Review status: criteria provided, single submitter. Criteria: Invitae Variant Classification Sherloc (09022015). Collection method: clinical testing. Allele origin: germline.
Comment: This sequence change creates a premature translational stop signal (p.Lys851Argfs*12) in the PCLO gene. It is expected to result in an absent or disrupted protein product. Loss-of-function variants in PCLO are known to be pathogenic (PMID: 25832664, 30287594). This variant is not present in population databases (gnomAD no frequency). This variant has not been reported in the literature in individuals affected with PCLO-related conditions. For these reasons, this variant has been classified as Pathogenic.

Literature cited by the submitters: PubMed 25832664; PubMed 30287594.